The following is an entry in ClinVar:

NM_001379403.1(WDR26):c.650A>T (p.Lys217Met)

Gene: WDR26 (WD repeat domain 26; minus strand). Cytogenetic location: 1q42.12.
Variant type: single nucleotide variant.
Coding change: c.650A>T on transcript NM_001379403.1 (MANE Select); coding-DNA position 650, A replaced by T.
Protein change: p.Lys217Met; replaces lysine 217 with methionine.
Molecular consequence: missense variant.
Genome position (GRCh38, 1-based): chr1:224,433,756, T>A on the plus strand (A>T on the coding strand, the complement: WDR26 is on the minus strand). VCF-style: chr1-224433756-T-A. GRCh37 (hg19) VCF-style: chr1-224621458-T-A.
Other names: c.350A>T, p.Lys117Met (NM_001115113.3, NM_025160.7); short protein forms K117M, K217M.
Identifiers: ClinVar variation 3361211 (VCV003361211.1).

ClinVar aggregate classification (germline): Uncertain significance (1 of 4 stars; one submission).

Submission:

GeneDx
Classification: Uncertain significance. Last evaluated: 2023-07-18. Review status: criteria provided, single submitter. Criteria: GeneDx Variant Classification Process June 2021. Collection method: clinical testing. Allele origin: germline. Affected: yes.
Comment: Not observed at significant frequency in large population cohorts (gnomAD); In silico analysis supports that this missense variant does not alter protein structure/function; Has not been previously published as pathogenic or benign to our knowledge